The following is an entry in ClinVar:

NM_005591.4(MRE11):c.913C>T (p.Arg305Trp)

Gene: MRE11 (MRE11 double strand break repair nuclease; minus strand). Cytogenetic location: 11q21.
Variant type: single nucleotide variant.
Coding change: c.913C>T on transcript NM_005591.4 (MANE Select); coding-DNA position 913, C replaced by T.
Protein change: p.Arg305Trp; replaces arginine 305 with tryptophan.
Molecular consequence: missense variant.
Genome position (GRCh38, 1-based): chr11:94,470,575, G>A on the plus strand (C>T on the coding strand, the complement: MRE11 is on the minus strand). VCF-style: chr11-94470575-G-A. GRCh37 (hg19) VCF-style: chr11-94203741-G-A.
Other names: p.R305W:CGG>TGG; c.913C>T, p.Arg305Trp (NM_001330347.2, NM_005590.4); short protein forms R305W.
Identifiers: ClinVar variation 127989 (VCV000127989.29), dbSNP rs372000848, ClinGen allele CA331852.

ClinVar aggregate classification (germline): Uncertain significance. Review status: criteria provided, multiple submitters, no conflicts (2 of 4 stars). 7 submissions from 7 submitters: Uncertain significance (7). Last evaluated 2026-08-20.

Conditions:
Ataxia-telangiectasia-like disorder (ATLD). Identifiers: MedGen C1858391, MONDO:0011457.
Hereditary cancer-predisposing syndrome. Also called: Neoplastic Syndromes, Hereditary; Hereditary Cancer Syndrome; Tumor predisposition; Hereditary neoplastic syndrome. Identifiers: Orphanet 140162, MedGen C0027672, MeSH D009386, MONDO:0015356.
Ataxia-telangiectasia-like disorder 1 (ATLD1). Identifiers: Orphanet 251347, MedGen C4012790, MONDO:0024557, OMIM 604391.

Allele frequency attached by ClinVar (database versions not stated): TOPMed 0.00004; ExAC 0.00005; gnomAD 0.00007 and 0.00008; ESP Exome Variant Server 0.00015; gnomAD exomes 0.00005.
gnomAD v4.1: 81 of 1,613,034 alleles (0.005%); highest among the groups gnomAD compares: Non-Finnish European, 0.006%; no homozygotes.

Submissions (7):

GeneDx
Classification: Uncertain significance. Last evaluated: 2026-08-20. Review status: criteria provided, single submitter. Criteria: GeneDx Variant Classification Process June 2021. Collection method: clinical testing. Allele origin: germline.
Comment: Published functional studies suggest a damaging effect: variant results in compromised DNA damage repair activity (PMID: 34075539); Not observed at significant frequency in large population cohorts (gnomAD); In silico analysis supports that this missense variant has a deleterious effect on protein structure/function; This variant is associated with the following publications: (PMID: 18606567, 21715099, 14684699, 22078559, 23747889, 15855896, 34426522, 33956305, 33510186, 24093751, 34075539, 32183364)

Labcorp Genetics (formerly Invitae), Labcorp
Classification: Uncertain significance for Ataxia-telangiectasia-like disorder. Last evaluated: 2025-09-23. Review status: criteria provided, single submitter. Criteria: Invitae Variant Classification Sherloc (09022015). Collection method: clinical testing. Allele origin: germline.
Comment: This sequence change replaces arginine, which is basic and polar, with tryptophan, which is neutral and slightly polar, at codon 305 of the MRE11 protein (p.Arg305Trp). This variant is present in population databases (rs372000848, gnomAD 0.01%). This missense change has been observed in individual(s) with cerebellar ataxia, ovarian cancer, and/or prostate cancer (PMID: 14684699, 32183364, 33956305). ClinVar contains an entry for this variant (Variation ID: 127989). An algorithm developed to predict the effect of missense changes on protein structure and function (PolyPhen-2) suggests that this variant is likely to be disruptive. Experimental studies have shown that this missense change affects MRE11 function (PMID: 34075539). In summary, the available evidence is currently insufficient to determine the role of this variant in disease. Therefore, it has been classified as a Variant of Uncertain Significance.

Ambry Genetics
Classification: Uncertain significance for Hereditary cancer-predisposing syndrome. Last evaluated: 2023-10-31. Review status: criteria provided, single submitter. Criteria: Ambry Variant Classification Scheme 2023. Collection method: clinical testing. Allele origin: germline.
Comment: The p.R305W variant (also known as c.913C>T), located in coding exon 8 of the MRE11A gene, results from a C to T substitution at nucleotide position 913. The arginine at codon 305 is replaced by tryptophan, an amino acid with dissimilar properties. This alteration has also been reported in one ovarian cancer patient from a cohort of 151 families with signs of hereditary susceptibility to breast and/or ovarian cancer (Heikkinen K et al. J. Med. Genet. 2003 Dec;40:e131). Further, structural analysis of this amino acid position has shown that the p.R305W alteration is predicted to perturb interactions between the guanidium group of Arg305 and the carbonyl oxygen of Lys360 (Park YB et al. Structure. 2011 Nov;19:1591-602). This amino acid position is highly conserved in available vertebrate species. In addition, this alteration is predicted to be deleterious by in silico analysis. Since supporting evidence is limited at this time, the clinical significance of this alteration remains unclear.

Women's Health and Genetics/Laboratory Corporation of America, LabCorp
Classification: Uncertain significance. Last evaluated: 2023-07-31. Review status: criteria provided, single submitter. Criteria: LabCorp Variant Classification Summary - May 2015. Collection method: clinical testing. Allele origin: germline.
Comment: Variant summary: MRE11 c.913C>T (p.Arg305Trp) results in a non-conservative amino acid change located in the Mre11, DNA-binding domain (IPR007281) of the encoded protein sequence. Five of five in-silico tools predict a damaging effect of the variant on protein function. The variant allele was found at a frequency of 5.7e-05 in 282364 control chromosomes (gnomAD). This frequency is not significantly higher than estimated for a pathogenic variant in MRE11 causing Hereditary Breast And Ovarian Cancer Syndrome (5.7e-05 vs 6.3e-05), allowing no conclusion about variant significance. c.913C>T has been reported in the literature in individuals affected with ovarian cancer, prostate cancer or cerebellar ataxia (Heikkinen_2003, Rantapero_2020, da Graa_2021). These reports do not provide unequivocal conclusions about association of the variant with Hereditary Breast And Ovarian Cancer Syndrome. At least one publication reports experimental evidence evaluating an impact on protein function and it showed hR305W was sensitive to DNA damage reagents (MMS/HU) (Harris_2021). The following publications have been ascertained in the context of this evaluation (PMID: 33510186, 34075539, 14684699, 24093751, 22078559, 32183364, 33956305). Five submitters have cited clinical-significance assessments for this variant to ClinVar after 2014. All submitters classified the variant as uncertain significance. Based on the evidence outlined above, the variant was classified as uncertain significance.

Baylor Genetics
Classification: Uncertain significance for Ataxia-telangiectasia-like disorder 1. Last evaluated: 2023-04-11. Review status: criteria provided, single submitter. Criteria: ACMG Guidelines, 2015. Collection method: clinical testing. Allele origin: unknown.

Fulgent Genetics
Classification: Uncertain significance for Ataxia-telangiectasia-like disorder 1. Last evaluated: 2022-01-08. Review status: criteria provided, single submitter. Criteria: ACMG Guidelines, 2015. Collection method: clinical testing. Allele origin: unknown.

ARUP Laboratories, Molecular Genetics and Genomics, ARUP Laboratories
Classification: Uncertain significance. Last evaluated: 2018-01-17. Review status: criteria provided, single submitter. Criteria: ARUP Molecular Germline Variant Investigation Process. Collection method: clinical testing. Allele origin: germline.
Comment: The p.Arg305Trp variant has been reported in a heterozygous form in one individual with ovarian cancer (Heikkinen 2003). This variant (rs372000848) is listed in the Genome Aggregation Database (gnomAD) with allele frequency of 0.009 percent in non-Finnish European populations (identified on 11 out of 126,314) and has been reported to the ClinVar database (Variation ID: 127989). Arginine at codon 305 is highly conserved considering 13 species, up to Bakerâ€™s yeast (Alamut v2.10), and computational analyses support a deleterious impact on the protein structure and function (PolyPhen2: possibly damaging, SIFT: damaging, and Mutation Taster: disease causing). Altogether, the clinical significance of p.Arg305Trp variant cannot be determined with certainty.

Literature cited by the submitters: PubMed 14684699 (cited by 3 submitters); PubMed 32183364 (cited by Labcorp Genetics (formerly Invitae), Labcorp and Women's Health and Genetics/Laboratory Corporation of America, LabCorp); PubMed 33956305 (cited by 3 submitters); PubMed 34075539 (cited by Labcorp Genetics (formerly Invitae), Labcorp and Women's Health and Genetics/Laboratory Corporation of America, LabCorp); PubMed 22078559 (cited by Ambry Genetics and Women's Health and Genetics/Laboratory Corporation of America, LabCorp); PubMed 24093751 (cited by Women's Health and Genetics/Laboratory Corporation of America, LabCorp); PubMed 33510186 (cited by Women's Health and Genetics/Laboratory Corporation of America, LabCorp).